The following is an entry in ClinVar:

ClinVar aggregate classification (germline): Uncertain significance (1 of 4 stars; one submission).

Conditions:
Cardiovascular phenotype. Identifiers: MedGen CN230736.

Allele frequency attached by ClinVar (database versions not stated): ExAC 0.00001; TOPMed 0.00001.

Submission:

Ambry Genetics
Classification: Uncertain significance for Cardiovascular phenotype. Last evaluated: 2024-02-07. Review status: criteria provided, single submitter. Criteria: Ambry Variant Classification Scheme 2023. Collection method: clinical testing. Allele origin: germline.
Comment: The p.R643* variant (also known as c.1927C>T), located in coding exon 14 of the LAMA4 gene, results from a C to T substitution at nucleotide position 1927. This changes the amino acid from an arginine to a stop codon within coding exon 14. This alteration is expected to result in protein truncation or nonsense-mediated mRNA decay. However, loss of function of LAMA4 has not been established as a mechanism of disease. The evidence for this gene-disease relationship is limited; therefore, the clinical significance of this alteration is unclear.

NM_001105206.3(LAMA4):c.1948C>T (p.Arg650Ter)

Gene: LAMA4 (laminin subunit alpha 4; minus strand). Cytogenetic location: 6q21.
Variant type: single nucleotide variant.
Coding change: c.1948C>T on transcript NM_001105206.3 (MANE Select); coding-DNA position 1948, C replaced by T.
Protein change: p.Arg650Ter; replaces arginine 650 with a stop codon.
Molecular consequence: nonsense.
Genome position (GRCh38, 1-based): chr6:112,155,576, G>A on the plus strand (C>T on the coding strand, the complement: LAMA4 is on the minus strand). VCF-style: chr6-112155576-G-A. GRCh37 (hg19) VCF-style: chr6-112476778-G-A.
Other names: c.1927C>T, p.Arg643Ter (NM_001105207.3, NM_002290.5); short protein forms R643*, R650*.
Identifiers: ClinVar variation 3222026 (VCV003222026.1), dbSNP rs782089100, ClinGen allele CA3965634.